The following is an entry in ClinVar:

NM_003638.3(ITGA8):c.2854C>T (p.Arg952Ter)

Gene: ITGA8 (integrin subunit alpha 8; minus strand). Cytogenetic location: 10p13.
Variant type: single nucleotide variant.
Coding change: c.2854C>T on transcript NM_003638.3 (MANE Select); coding-DNA position 2854, C replaced by T.
Protein change: p.Arg952Ter; replaces arginine 952 with a stop codon.
Molecular consequence: nonsense.
Genome position (GRCh38, 1-based): chr10:15,548,481, G>A on the plus strand (C>T on the coding strand, the complement: ITGA8 is on the minus strand). VCF-style: chr10-15548481-G-A. GRCh37 (hg19) VCF-style: chr10-15590480-G-A.
Other names: c.2809C>T, p.Arg937Ter (NM_001291494.2); short protein forms R937*, R952*.
Identifiers: ClinVar variation 4884619 (VCV004884619.1).

ClinVar aggregate classification (germline): Pathogenic (1 of 4 stars; one submission).

Conditions:
Fetal anomalies with a likely genetic cause.

gnomAD v4.1: 4 of 1,609,868 alleles (0.00025%); highest among the groups gnomAD compares: Admixed American, 0.0034%; no homozygotes.

Submission:

Genetics Laboratory, Great Ormond Street Hospital NHS Foundation Trust, North Thames Genomic Laboratory Hub
Classification: Pathogenic for Fetal anomalies with a likely genetic cause. Last evaluated: 2026-06-17. Review status: criteria provided, single submitter. Criteria: ACGS Best Practice Guidelines for Variant Classification in Rare Disease 2024 v1.2. Collection method: clinical testing. Allele origin: germline. Affected: yes.
Comment: PM2_moderate, PVS1_very-strong